The following is an entry in ClinVar:

NM_015662.3(IFT172):c.336G>A (p.Thr112=)

Gene: IFT172 (intraflagellar transport 172; minus strand). Cytogenetic location: 2p23.3.
Variant type: single nucleotide variant.
Coding change: c.336G>A on transcript NM_015662.3 (MANE Select); coding-DNA position 336, G replaced by A.
Protein change: p.Thr112=; no amino-acid change (threonine 112 retained).
Molecular consequence: synonymous variant.
Genome position (GRCh38, 1-based): chr2:27,484,227, C>T on the plus strand (G>A on the coding strand, the complement: IFT172 is on the minus strand). VCF-style: chr2-27484227-C-T. GRCh37 (hg19) VCF-style: chr2-27707094-C-T.
Other names: c.336G>A (NM_015662.2).
Identifiers: ClinVar variation 1378950 (VCV001378950.8), dbSNP rs1158316267, ClinGen allele CA425415182.

ClinVar aggregate classification (germline): Uncertain significance. Review status: criteria provided, multiple submitters, no conflicts (2 of 4 stars). 3 submissions from 3 submitters: Uncertain significance (2). 1 of the submissions does not count toward it. Last evaluated 2024-10-10.

Conditions:
IFT172-related disorder. Also called: IFT172-related disorders; IFT172-related condition.
Retinitis pigmentosa 71 (RP71). Identifiers: Orphanet 791, MedGen C4225342, MONDO:0014618, OMIM 616394.
Short-rib thoracic dysplasia 10 with or without polydactyly (SRTD10). Identifiers: Orphanet 474, MedGen C3810175, MONDO:0014284, OMIM 615630.
Retinal dystrophy. Also called: Inherited retinal dystrophy. Identifiers: Orphanet 71862, MedGen C0854723, MeSH D058499, MONDO:0019118, HP:0000556.

Allele frequency attached by ClinVar (database versions not stated): TOPMed 0.00001; gnomAD exomes 0.00002; gnomAD 0.00003.
gnomAD v4.1: 37 of 1,613,776 alleles (0.0023%); highest among the groups gnomAD compares: African/African-American, 0.0027%; no homozygotes.

Submissions (3):

PreventionGenetics, part of Exact Sciences
Classification: Uncertain significance for IFT172-related condition. Last evaluated: 2024-10-10. Review status: criteria provided, single submitter. Criteria: ACMG Guidelines, 2015. Collection method: clinical testing. Allele origin: germline.
Comment: The IFT172 c.336G>A variant is not predicted to result in an amino acid change (p.=). This variant occurs at the last nucleotide position of exon 4 and is predicted to alter splicing based on available splicing prediction programs (SpliceAI, Jaganathan et al. 2019. PubMed ID: 30661751). To our knowledge, this variant has not been reported in the literature. This variant is reported in 0.0039% of alleles in individuals of European (Non-Finnish) descent in gnomAD. At this time, the clinical significance of this variant is uncertain due to the absence of conclusive functional and genetic evidence.

Labcorp Genetics (formerly Invitae), Labcorp
Classification: Uncertain significance for Retinitis pigmentosa 71; Short-rib thoracic dysplasia 10 with or without polydactyly. Last evaluated: 2022-07-12. Review status: criteria provided, single submitter. Criteria: Invitae Variant Classification Sherloc (09022015). Collection method: clinical testing. Allele origin: germline.
Comment: This variant is present in population databases (no rsID available, gnomAD 0.004%). This sequence change affects codon 112 of the IFT172 mRNA. It is a 'silent' change, meaning that it does not change the encoded amino acid sequence of the IFT172 protein. This variant also falls at the last nucleotide of exon 4, which is part of the consensus splice site for this exon. This variant has not been reported in the literature in individuals affected with IFT172-related conditions. In summary, the available evidence is currently insufficient to determine the role of this variant in disease. Therefore, it has been classified as a Variant of Uncertain Significance. Variants that disrupt the consensus splice site are a relatively common cause of aberrant splicing (PMID: 17576681, 9536098). Algorithms developed to predict the effect of sequence changes on RNA splicing suggest that this variant may disrupt the consensus splice site. ClinVar contains an entry for this variant (Variation ID: 1378950).

Institute of Human Genetics, Univ. Regensburg, Univ. Regensburg
Classification: Likely pathogenic for Retinal dystrophy. Last evaluated: 2016-01-01. Review status: no assertion criteria provided. Criteria: ACMG Guidelines, 2015. Collection method: clinical testing. Allele origin: germline. Affected: yes. Not counted in ClinVar's aggregate classification.

Literature cited by the submitters: PubMed 17576681 (cited by Labcorp Genetics (formerly Invitae), Labcorp); PubMed 9536098 (cited by Labcorp Genetics (formerly Invitae), Labcorp).